The following is an entry in ClinVar:

ClinVar aggregate classification (germline): Uncertain significance (1 of 4 stars; one submission).

Submission:

Labcorp Genetics (formerly Invitae), Labcorp
Classification: Uncertain significance. Last evaluated: 2022-12-08. Review status: criteria provided, single submitter. Criteria: Invitae Variant Classification Sherloc (09022015). Collection method: clinical testing. Allele origin: germline.
Comment: This sequence change replaces proline, which is neutral and non-polar, with arginine, which is basic and polar, at codon 368 of the GREB1L protein (p.Pro368Arg). This variant has not been reported in the literature in individuals affected with GREB1L-related conditions. This variant is not present in population databases (gnomAD no frequency). Algorithms developed to predict the effect of missense changes on protein structure and function are either unavailable or do not agree on the potential impact of this missense change (SIFT: "Not Available"; PolyPhen-2: "Benign"; Align-GVGD: "Not Available"). In summary, the available evidence is currently insufficient to determine the role of this variant in disease. Therefore, it has been classified as a Variant of Uncertain Significance.

NM_001142966.3(GREB1L):c.1103C>G (p.Pro368Arg)

Genes: GREB1L (GREB1 like retinoic acid receptor coactivator; plus strand), GREB1L-AS1 (GREB1L antisense RNA 1; minus strand). Cytogenetic location: 18q11.1.
Variant type: single nucleotide variant.
Coding change: c.1103C>G on transcript NM_001142966.3 (MANE Select); coding-DNA position 1103, C replaced by G.
Protein change: p.Pro368Arg; replaces proline 368 with arginine.
Molecular consequence: missense variant.
Genome position (GRCh38, 1-based): chr18:21,441,433, C>G. VCF-style: chr18-21441433-C-G. GRCh37 (hg19) VCF-style: chr18-19021394-C-G.
Other names: c.1232C>G, p.Pro411Arg (NM_001410867.1); c.1103C>G, p.Pro368Arg (NM_001410868.1); short protein forms P368R, P411R.
Identifiers: ClinVar variation 2819540 (VCV002819540.3), dbSNP rs2511364275, ClinGen allele CA401800042.